The following is an entry in ClinVar:

NM_001040455.2(SIDT2):c.2128C>T (p.Arg710Cys)

Gene: SIDT2 (SID1 transmembrane family member 2; plus strand). Cytogenetic location: 11q23.3.
Variant type: single nucleotide variant.
Coding change: c.2128C>T on transcript NM_001040455.2 (MANE Select); coding-DNA position 2128, C replaced by T.
Protein change: p.Arg710Cys; replaces arginine 710 with cysteine.
Molecular consequence: missense variant.
Genome position (GRCh38, 1-based): chr11:117,193,175, C>T. VCF-style: chr11-117193175-C-T. GRCh37 (hg19) VCF-style: chr11-117063891-C-T.
Other names: short protein forms R710C.
Identifiers: ClinVar variation 2642405 (VCV002642405.24), dbSNP rs142171036, ClinGen allele CA6292227.

ClinVar aggregate classification (germline): Likely benign (1 of 4 stars; one submission).

Allele frequency attached by ClinVar (database versions not stated): 1000 Genomes Project 30x 0.00016; 1000 Genomes Project 0.00020; ExAC 0.00157; gnomAD 0.00181; TOPMed 0.00194; ESP Exome Variant Server 0.00215; gnomAD exomes 0.00282.
gnomAD v4.1: 4,381 of 1,614,134 alleles (0.27%); highest among the groups gnomAD compares: Non-Finnish European, 0.34%; 11 homozygotes.

Submission:

CeGaT Center for Human Genetics Tuebingen
Classification: Likely benign. Last evaluated: 2023-01-01. Review status: criteria provided, single submitter. Criteria: CeGaT Center For Human Genetics Tuebingen Variant Classification Criteria Version 2. Collection method: clinical testing. Allele origin: germline. Affected: yes. Observed: 1 variant allele.
Comment: SIDT2: BS2